The following is an entry in ClinVar:

ClinVar aggregate classification (germline): Uncertain significance (1 of 4 stars; one submission).

Conditions:
Progressive sclerosing poliodystrophy (MTDPS4A). Also called: Mitochondrial DNA depletion syndrome 4A (Alpers type); ALPERS PROGRESSIVE INFANTILE POLIODYSTROPHY; NEURONAL DEGENERATION OF CHILDHOOD WITH LIVER DISEASE, PROGRESSIVE; Mitochondrial DNA Depletion Syndrome 4A; Alpers-Huttenlocher Syndrome (AHS); Alpers Syndrome. Identifiers: Orphanet 726, MedGen C0205710, MONDO:0008758, OMIM 203700.

Allele frequency attached by ClinVar (database versions not stated): TOPMed below 0.00001; gnomAD 0.00001; gnomAD exomes 0.00001.
gnomAD v4.1: 9 of 1,610,798 alleles (0.00056%); highest among the groups gnomAD compares: Admixed American, 0.0017%; no homozygotes.

Submission:

Labcorp Genetics (formerly Invitae), Labcorp
Classification: Uncertain significance for Progressive sclerosing poliodystrophy. Last evaluated: 2023-09-06. Review status: criteria provided, single submitter. Criteria: Invitae Variant Classification Sherloc (09022015). Collection method: clinical testing. Allele origin: germline.
Comment: In summary, the available evidence is currently insufficient to determine the role of this variant in disease. Therefore, it has been classified as a Variant of Uncertain Significance. This sequence change replaces serine, which is neutral and polar, with phenylalanine, which is neutral and non-polar, at codon 63 of the POLG protein (p.Ser63Phe). This variant is present in population databases (no rsID available, gnomAD 0.1%). This variant has not been reported in the literature in individuals affected with POLG-related conditions. ClinVar contains an entry for this variant (Variation ID: 1485064). Advanced modeling of protein sequence and biophysical properties (such as structural, functional, and spatial information, amino acid conservation, physicochemical variation, residue mobility, and thermodynamic stability) has been performed at Invitae for this missense variant, however the output from this modeling did not meet the statistical confidence thresholds required to predict the impact of this variant on POLG protein function.

NM_002693.3(POLG):c.188C>T (p.Ser63Phe)

Genes: POLGARF (POLG alternative reading frame; minus strand), POLG (DNA polymerase gamma, catalytic subunit; minus strand). Cytogenetic location: 15q26.1.
Variant type: single nucleotide variant.
Coding change: c.188C>T on transcript NM_002693.3 (MANE Select); coding-DNA position 188, C replaced by T.
Protein change: p.Ser63Phe; replaces serine 63 with phenylalanine.
Molecular consequence: missense variant.
Genome position (GRCh38, 1-based): chr15:89,333,567, G>A on the plus strand (C>T on the coding strand, the complement: POLG is on the minus strand). VCF-style: chr15-89333567-G-A. GRCh37 (hg19) VCF-style: chr15-89876798-G-A.
Other names: c.188C>T, p.Ser63Phe (NM_001126131.2); short protein forms S63F.
Identifiers: ClinVar variation 1485064 (VCV001485064.6), dbSNP rs960812250, ClinGen allele CA274566350.